The following is an entry in ClinVar:

ClinVar aggregate classification (germline): Likely benign. Review status: criteria provided, single submitter (1 of 4 stars). 2 submissions from 2 submitters: Likely benign (1). 1 of the submissions does not count toward it. Last evaluated 2022-07-29.

Conditions:
B4GAT1-related disorder. Also called: B4GAT1-related condition.
Muscular dystrophy-dystroglycanopathy (congenital with brain and eye anomalies), type A13. Also called: WALKER-WARBURG SYNDROME OR MUSCLE-EYE-BRAIN DISEASE, B3GNT1-RELATED; Muscular dystrophy-dystroglycanopathy (congenital with brain and eye anomalies), type a, 13. Identifiers: Orphanet 899, MedGen C3809042, MONDO:0014120, OMIM 615287.

Allele frequency attached by ClinVar (database versions not stated): gnomAD exomes below 0.00001; ExAC 0.00002.

Submissions (2):

Labcorp Genetics (formerly Invitae), Labcorp
Classification: Likely benign for Muscular dystrophy-dystroglycanopathy (congenital with brain and eye anomalies), type A13. Last evaluated: 2022-07-29. Review status: criteria provided, single submitter. Criteria: Invitae Variant Classification Sherloc (09022015). Collection method: clinical testing. Allele origin: germline.

PreventionGenetics, part of Exact Sciences
Classification: Likely benign for B4GAT1-related condition. Last evaluated: 2021-12-29. Review status: no assertion criteria provided. Collection method: clinical testing. Allele origin: germline. Not counted in ClinVar's aggregate classification.
Comment: This variant is classified as likely benign based on ACMG/AMP sequence variant interpretation guidelines (Richards et al. 2015 PMID: 25741868, with internal and published modifications).

NM_006876.3(B4GAT1):c.837C>T (p.Tyr279=)

Gene: B4GAT1 (beta-1,4-glucuronyltransferase 1; minus strand). Cytogenetic location: 11q13.2.
Variant type: single nucleotide variant.
Coding change: c.837C>T on transcript NM_006876.3 (MANE Select); coding-DNA position 837, C replaced by T.
Protein change: p.Tyr279=; no amino-acid change (tyrosine 279 retained).
Molecular consequence: synonymous variant.
Genome position (GRCh38, 1-based): chr11:66,346,709, G>A on the plus strand (C>T on the coding strand, the complement: B4GAT1 is on the minus strand). VCF-style: chr11-66346709-G-A. GRCh37 (hg19) VCF-style: chr11-66114180-G-A.
Other names: c.837C>T (NM_006876.2).
Identifiers: ClinVar variation 2138632 (VCV002138632.6), dbSNP rs762176341, ClinGen allele CA6120503.
Genomic context (GRCh38, chr11:66,346,709, plus strand): 5'-GGTGGGTGCCTGGCAGGGGGTGCACAACCCATAATAGAAGGGCCGCACCTCGCCAACCTG[G>A]TAGAGCTGCACCAGCTCGTTTTTGTTCATGGGCATGCGGCGGGCTCTTCGGATTTCGAAG-3'
Protein context (NP_006867.1, residues 269-289): PMNKNELVQL[Tyr279=]QVGEVRPFYY